The following is an entry in ClinVar:

ClinVar aggregate classification (germline): Uncertain significance (1 of 4 stars; one submission).

Allele frequency attached by ClinVar (database versions not stated): TOPMed 0.00001; gnomAD exomes 0.00002; ExAC 0.00003.

Submission:

Labcorp Genetics (formerly Invitae), Labcorp
Classification: Uncertain significance. Last evaluated: 2023-11-24. Review status: criteria provided, single submitter. Criteria: Invitae Variant Classification Sherloc (09022015). Collection method: clinical testing. Allele origin: germline.
Comment: This sequence change replaces proline, which is neutral and non-polar, with leucine, which is neutral and non-polar, at codon 945 of the DCHS1 protein (p.Pro945Leu). This variant is present in population databases (rs757575925, gnomAD 0.002%). This variant has not been reported in the literature in individuals affected with DCHS1-related conditions. Advanced modeling of protein sequence and biophysical properties (such as structural, functional, and spatial information, amino acid conservation, physicochemical variation, residue mobility, and thermodynamic stability) has been performed at Invitae for this missense variant, however the output from this modeling did not meet the statistical confidence thresholds required to predict the impact of this variant on DCHS1 protein function. In summary, the available evidence is currently insufficient to determine the role of this variant in disease. Therefore, it has been classified as a Variant of Uncertain Significance.

NM_003737.4(DCHS1):c.2834C>T (p.Pro945Leu)

Gene: DCHS1 (dachsous cadherin-related 1; minus strand). Cytogenetic location: 11p15.4.
Variant type: single nucleotide variant.
Coding change: c.2834C>T on transcript NM_003737.4 (MANE Select); coding-DNA position 2834, C replaced by T.
Protein change: p.Pro945Leu; replaces proline 945 with leucine.
Molecular consequence: missense variant.
Genome position (GRCh38, 1-based): chr11:6,632,678, G>A on the plus strand (C>T on the coding strand, the complement: DCHS1 is on the minus strand). VCF-style: chr11-6632678-G-A. GRCh37 (hg19) VCF-style: chr11-6653909-G-A.
Other names: short protein forms P945L.
Identifiers: ClinVar variation 3003486 (VCV003003486.3), dbSNP rs757575925, ClinGen allele CA5860645.